The following is an entry in ClinVar:

NM_007294.4(BRCA1):c.520C>T (p.Gln174Ter)

Gene: BRCA1 (BRCA1 DNA repair associated; minus strand). Cytogenetic location: 17q21.31.
Variant type: single nucleotide variant.
Coding change: c.520C>T on transcript NM_007294.4 (MANE Select); coding-DNA position 520, C replaced by T.
Protein change: p.Gln174Ter; replaces glutamine 174 with a stop codon.
Molecular consequence: nonsense. On other transcripts: non-coding transcript variant (1).
Genome position (GRCh38, 1-based): chr17:43,099,802, G>A on the plus strand (C>T on the coding strand, the complement: BRCA1 is on the minus strand). VCF-style: chr17-43099802-G-A. GRCh37 (hg19) VCF-style: chr17-41251819-G-A.
Other names: c.307C>T, p.Gln103Ter (NM_001407571.1, NM_001407853.1, NM_001407894.1 and 18 more transcripts); c.520C>T, p.Gln174Ter (NM_001407581.1, NM_001407582.1, NM_001407583.1 and 97 more transcripts); c.517C>T, p.Gln173Ter (NM_001407587.1, NM_001407590.1, NM_001407611.1 and 65 more transcripts); c.511C>T, p.Gln171Ter (NM_001407646.1, NM_001407647.1, NM_001408408.1); c.442C>T, p.Gln148Ter (NM_001407653.1, NM_001407654.1, NM_001407655.1 and 12 more transcripts); c.439C>T, p.Gln147Ter (NM_001407659.1, NM_001407660.1, NM_001407661.1 and 6 more transcripts); c.379C>T, p.Gln127Ter (NM_001407692.1, NM_001407694.1, NM_001407695.1 and 61 more transcripts); c.376C>T, p.Gln126Ter (NM_001407740.1, NM_001407741.1, NM_001407742.1 and 35 more transcripts); and 4 more; short protein forms Q174*, Q127*, Q129*, Q46*, Q104*, Q126*, Q148*, Q171*.
Identifiers: ClinVar variation 575899 (VCV000575899.14), dbSNP rs1567806048, ClinGen allele CA10601102.

ClinVar aggregate classification (germline): Pathogenic. Review status: criteria provided, multiple submitters, no conflicts (2 of 4 stars). 3 submissions from 3 submitters: Pathogenic (2). 1 of the submissions does not count toward it. Last evaluated 2024-12-20.

Conditions:
Hereditary breast ovarian cancer syndrome. Also called: Hereditary breast and ovarian cancer syndrome; Hereditary breast and ovarian cancer; Breast and ovarian cancer; Hereditary breast and ovarian cancer syndrome (HBOC); Hereditary breast and/or ovarian cancer syndrome; BRCA1- and BRCA2-Associated Hereditary Breast and Ovarian Cancer. Identifiers: Orphanet 145, MedGen C0677776, MeSH D061325, MONDO:0003582. Disease mechanism: loss of function.
Familial cancer of breast. Also called: BREAST CANCER, FAMILIAL; Hereditary breast cancer; hereditary breast carcinoma. Identifiers: Orphanet 227535, MedGen C0346153, MONDO:0016419, OMIM 114480. Disease mechanism: loss of function.

Submissions (3):

Division of Genetic & Genomic Pathology, Hong Kong Children's Hospital
Classification: Pathogenic for Hereditary breast ovarian cancer syndrome. Last evaluated: 2024-12-20. Review status: criteria provided, single submitter. Criteria: ACMG Guidelines, 2015. Collection method: clinical testing. Allele origin: germline. Affected: yes.
Comment: The BRCA1 c.520C>T p.(Gln174Ter) variant results in a stop gain in exon 7 of the BRCA1 gene. It is predicted to generate mRNA transcripts with premature stop codon targeted by nonsense-mediated decay. Loss-of-function variants in BRCA1 are known to be pathogenic (PMID: 20104584). This variant is absent in population controls (gnomAD v3.1.2 non-cancer and gnomAD v2.1.1 non-cancer). It has been reported as pathogenic in ClinVar (VCV000575899.11) and reported in multiple individuals with breast and/or ovarian cancer (PMID: 35681111, 35918668, 36324133). For these reasons, BRCA1 c.520C>T p.(Gln174Ter) is classified as pathogenic according to the ClinGen ENIGMA BRCA1 and BRCA2 Expert Panel Specifications to the ACMG/AMP Variant Interpretation Guidelines for BRCA1 Version 1.1.0.

Labcorp Genetics (formerly Invitae), Labcorp
Classification: Pathogenic for Hereditary breast ovarian cancer syndrome. Last evaluated: 2020-06-10. Review status: criteria provided, single submitter. Criteria: Invitae Variant Classification Sherloc (09022015). Collection method: clinical testing. Allele origin: germline.
Comment: Experimental studies have shown that this variant impairs the function of the BRCA1 protein, as measured by E3 ligase activity and BARD1-binding in vitro (PMID: 25823446). Loss-of-function variants in BRCA1 are known to be pathogenic (PMID: 20104584). For these reasons, this variant has been classified as Pathogenic. This variant has been observed in an individual affected with breast cancer (PMID: 25480878). This variant is not present in population databases (ExAC no frequency). This sequence change creates a premature translational stop signal (p.Gln174*) in the BRCA1 gene. It is expected to result in an absent or disrupted protein product.

Center for Precision Medicine, Meizhou People's Hospital
Classification: Pathogenic for Familial cancer of breast. Review status: no assertion criteria provided. Collection method: literature only. Allele origin: germline. Affected: yes. Not counted in ClinVar's aggregate classification.

Literature cited by the submitters: PubMed 20104584 (cited by Division of Genetic & Genomic Pathology, Hong Kong Children's Hospital and Labcorp Genetics (formerly Invitae), Labcorp); PubMed 35681111 (cited by Division of Genetic & Genomic Pathology, Hong Kong Children's Hospital); PubMed 35918668 (cited by Division of Genetic & Genomic Pathology, Hong Kong Children's Hospital); PubMed 36324133 (cited by Division of Genetic & Genomic Pathology, Hong Kong Children's Hospital); PubMed 25823446 (cited by Labcorp Genetics (formerly Invitae), Labcorp); PubMed 25480878 (cited by Labcorp Genetics (formerly Invitae), Labcorp).